The following is an entry in ClinVar:

ClinVar aggregate classification (germline): Uncertain significance. Review status: criteria provided, multiple submitters, no conflicts (2 of 4 stars). 2 submissions from 2 submitters: Uncertain significance (2). Last evaluated 2024-03-17.

Conditions:
Inborn genetic diseases. Identifiers: MedGen C0950123, MeSH D030342.

gnomAD v4.1: 1 of 1,603,478 alleles (0.000062%); highest among the groups gnomAD compares: African/African-American, 0.0013%; no homozygotes.

Submissions (2):

Labcorp Genetics (formerly Invitae), Labcorp
Classification: Uncertain significance. Last evaluated: 2024-03-17. Review status: criteria provided, single submitter. Criteria: Invitae Variant Classification Sherloc (09022015). Collection method: clinical testing. Allele origin: germline.
Comment: This sequence change replaces proline, which is neutral and non-polar, with threonine, which is neutral and polar, at codon 949 of the AHDC1 protein (p.Pro949Thr). This variant is not present in population databases (gnomAD no frequency). This variant has not been reported in the literature in individuals affected with AHDC1-related conditions. ClinVar contains an entry for this variant (Variation ID: 2487026). An algorithm developed to predict the effect of missense changes on protein structure and function (PolyPhen-2) suggests that this variant is likely to be disruptive. In summary, the available evidence is currently insufficient to determine the role of this variant in disease. Therefore, it has been classified as a Variant of Uncertain Significance.

Ambry Genetics
Classification: Uncertain significance for Inborn genetic diseases. Last evaluated: 2023-02-22. Review status: criteria provided, single submitter. Criteria: Ambry Variant Classification Scheme 2023. Collection method: clinical testing. Allele origin: germline.

NM_001371928.1(AHDC1):c.2845C>A (p.Pro949Thr)

Gene: AHDC1 (AT-hook DNA binding motif containing 1; minus strand). Cytogenetic location: 1p36.11.
Variant type: single nucleotide variant.
Coding change: c.2845C>A on transcript NM_001371928.1 (MANE Select); coding-DNA position 2845, C replaced by A.
Protein change: p.Pro949Thr; replaces proline 949 with threonine.
Molecular consequence: missense variant.
Genome position (GRCh38, 1-based): chr1:27,549,271, G>T on the plus strand (C>A on the coding strand, the complement: AHDC1 is on the minus strand). VCF-style: chr1-27549271-G-T. GRCh37 (hg19) VCF-style: chr1-27875782-G-T.
Other names: c.2845C>A, p.Pro949Thr (NM_001029882.3); short protein forms P949T.
Identifiers: ClinVar variation 2487026 (VCV002487026.4), dbSNP rs780659388, ClinGen allele CA339229455.
Genomic context (GRCh38, chr1:27,549,271, plus strand): 5'-GCAGGTAGGTGTTGGCAGGCGGGTGGGTGGTAGGTGAGCGGGCCATGGCTGAGGGCGGGG[G>T]CACCAGCTTGGGGAAGGTCTCGGCTGCCCGGCAGTCTGAAGCGGCTGGAGTTAGCCCATA-3'
Protein context (NP_001358857.1, residues 939-959): RAAETFPKLV[Pro949Thr]PPSAMARSPT